The following is an entry in ClinVar:

ClinVar aggregate classification (germline): Uncertain significance (1 of 4 stars; one submission).

Submission:

Women's Health and Genetics/Laboratory Corporation of America, LabCorp
Classification: Uncertain significance. Last evaluated: 2025-12-30. Review status: criteria provided, single submitter. Criteria: LabCorp Variant Classification Summary - May 2015. Collection method: clinical testing. Allele origin: germline.
Comment: Variant summary: STUB1 c.651G>C (p.Gln217His) results in a non-conservative amino acid change in the encoded protein sequence. Algorithms developed to predict the effect of missense changes on protein structure and function are either unavailable or do not agree on the potential impact of this missense change. The variant was absent in 237220 control chromosomes. The available data on variant occurrences in the general population are insufficient to allow any conclusion about variant significance. To our knowledge, no occurrence of c.651G>C in individuals affected with STUB1-related conditions and no experimental evidence demonstrating its impact on protein function have been reported. No submitters have cited clinical-significance assessments for this variant to ClinVar. Based on the evidence outlined above, the variant was classified as uncertain significance.

NM_005861.4(STUB1):c.651G>C (p.Gln217His)

Genes: JMJD8 (jumonji domain containing 8; minus strand), STUB1 (STIP1 homology and U-box containing protein 1; plus strand). Cytogenetic location: 16p13.3.
Variant type: single nucleotide variant.
Coding change: c.651G>C on transcript NM_005861.4 (MANE Select); coding-DNA position 651, G replaced by C.
Protein change: p.Gln217His; replaces glutamine 217 with histidine.
Molecular consequence: missense variant. On other transcripts: 3 prime UTR variant (5), non-coding transcript variant (3).
Genome position (GRCh38, 1-based): chr16:682,058, G>C. VCF-style: chr16-682058-G-C. GRCh37 (hg19) VCF-style: chr16-732058-G-C.
Other names: c.435G>C, p.Gln145His (NM_001293197.2); c.*736C>G (NM_001005920.4, NM_001323919.3, NM_001323920.3); c.*770C>G (NM_001323918.3, NM_001323922.3); short protein forms Q145H, Q217H.
Identifiers: ClinVar variation 4688363 (VCV004688363.1).